The following is an entry in ClinVar:

NM_000080.4(CHRNE):c.345-2A>G

Genes: CHRNE (cholinergic receptor nicotinic epsilon subunit; minus strand), C17orf107 (chromosome 17 open reading frame 107; plus strand). Cytogenetic location: 17p13.2.
Variant type: single nucleotide variant.
Coding change: c.345-2A>G on transcript NM_000080.4 (MANE Select); the canonical splice acceptor site of the intron before coding-DNA position 345, A replaced by G.
Molecular consequence: splice acceptor variant. On other transcripts: 3 prime UTR variant (1).
Genome position (GRCh38, 1-based): chr17:4,902,089, T>C on the plus strand (A>G on the coding strand, the complement: CHRNE is on the minus strand). VCF-style: chr17-4902089-T-C. GRCh37 (hg19) VCF-style: chr17-4805384-T-C.
Other names: c.345-2A>G (NM_000080.3); c.*1556T>C (NM_001145536.2).
Identifiers: ClinVar variation 2680774 (VCV002680774.5), dbSNP rs2151098412, ClinGen allele CA397306410.

ClinVar aggregate classification (germline): Pathogenic/Likely pathogenic. Review status: criteria provided, multiple submitters, no conflicts (2 of 4 stars). 4 submissions from 3 submitters: Pathogenic (1); Likely pathogenic (3). Last evaluated 2025-09-10.

Conditions:
Congenital myasthenic syndrome 4B. Also called: Myasthenic syndrome, congenital, 4b, fast-channel. Identifiers: Orphanet 590, MedGen C4225369, MONDO:0014586, OMIM 616324.
Long QT syndrome 2 (LQT2). Identifiers: Orphanet 101016, Orphanet 768, MedGen C3150943, MONDO:0013367, OMIM 613688.
Congenital myasthenic syndrome 4A. Also called: MYASTHENIC SYNDROME, CONGENITAL, 4A, SLOW-CHANNEL, AUTOSOMAL RECESSIVE; Myasthenic syndrome, congenital, 4a, slow-channel; CONGENITAL MYASTHENIC SYNDROME TYPE Ia1. Identifiers: Orphanet 590, MedGen C4225413, MONDO:0011600, OMIM 605809.

Submissions (4):

Genomic Medicine Center of Excellence, King Faisal Specialist Hospital and Research Centre
Classification: Pathogenic for Congenital myasthenic syndrome 4B. Last evaluated: 2025-09-10. Review status: criteria provided, single submitter. Criteria: ACMG Guidelines, 2015. Collection method: clinical testing. Allele origin: germline.

Genomic Medicine Center of Excellence, King Faisal Specialist Hospital and Research Centre
Classification: Likely pathogenic for Long QT syndrome 2. Last evaluated: 2025-09-10. Review status: criteria provided, single submitter. Criteria: ACMG Guidelines, 2015. Collection method: clinical testing. Allele origin: germline.

Labcorp Genetics (formerly Invitae), Labcorp
Classification: Likely pathogenic for Congenital myasthenic syndrome 4A. Last evaluated: 2023-10-14. Review status: criteria provided, single submitter. Criteria: Invitae Variant Classification Sherloc (09022015). Collection method: clinical testing. Allele origin: germline.
Comment: This sequence change affects an acceptor splice site in intron 4 of the CHRNE gene. It is expected to disrupt RNA splicing. Variants that disrupt the donor or acceptor splice site typically lead to a loss of protein function (PMID: 16199547), and loss-of-function variants in CHRNE are known to be pathogenic (PMID: 22678886). This variant is not present in population databases (gnomAD no frequency). Disruption of this splice site has been observed in individual(s) with CHRNE-related condition(s) (PMID: 14532324). Algorithms developed to predict the effect of sequence changes on RNA splicing suggest that this variant may disrupt the consensus splice site. In summary, the currently available evidence indicates that the variant is pathogenic, but additional data are needed to prove that conclusively. Therefore, this variant has been classified as Likely Pathogenic.

Baylor Genetics
Classification: Likely pathogenic for Congenital myasthenic syndrome 4A. Last evaluated: 2023-09-07. Review status: criteria provided, single submitter. Criteria: ACMG Guidelines, 2015. Collection method: clinical testing. Allele origin: unknown.

Literature cited by the submitters: PubMed 16199547 (cited by Labcorp Genetics (formerly Invitae), Labcorp); PubMed 22678886 (cited by Labcorp Genetics (formerly Invitae), Labcorp); PubMed 14532324 (cited by Labcorp Genetics (formerly Invitae), Labcorp).